The following is an entry in ClinVar:

ClinVar aggregate classification (germline): Benign/Likely benign. Review status: criteria provided, multiple submitters, no conflicts (2 of 4 stars). 3 submissions from 3 submitters: Benign (2); Likely benign (1). Last evaluated 2024-11-26.

Allele frequency attached by ClinVar (database versions not stated): 1000 Genomes Project 30x 0.01811; 1000 Genomes Project 0.01897; gnomAD 0.03475 and 0.03512; ESP Exome Variant Server 0.03875; gnomAD exomes 0.03987 and 0.04645.
gnomAD v4.1: 73,185 of 1,611,932 alleles (4.5%); highest among the groups gnomAD compares: Middle Eastern, 5.1%; 10 homozygotes.

Submissions (3):

Blueprint Genetics
Classification: Likely benign. Last evaluated: 2024-11-26. Review status: criteria provided, single submitter. Criteria: ACMG Guidelines, 2015. Collection method: clinical testing. Allele origin: germline.

Laboratory for Molecular Medicine, Mass General Brigham Personalized Medicine
Classification: Benign. Last evaluated: 2016-03-28. Review status: criteria provided, single submitter. Criteria: LMM Criteria. Collection method: clinical testing. Allele origin: germline.
Comment: Variant identified in a genome or exome case(s) and assessed due to predicted null impact of the variant or pathogenic assertions in the literature or databases. Disclaimer: This variant has not undergone full assessment. The following are preliminary notes: Frequency

Breakthrough Genomics
Classification: Benign. Review status: criteria provided, single submitter. Criteria: ACMG Guidelines, 2015. Collection method: not provided. Allele origin: germline. Inheritance: Autosomal recessive inheritance. Affected: yes.

NM_000569.8(FCGR3A):c.216G>A (p.Ser72=)

Gene: FCGR3A (Fc gamma receptor IIIa; minus strand). Cytogenetic location: 1q23.3.
Variant type: single nucleotide variant.
Coding change: c.216G>A on transcript NM_000569.8 (MANE Select); coding-DNA position 216, G replaced by A.
Protein change: p.Ser72=; no amino-acid change (serine 72 retained).
Molecular consequence: synonymous variant.
Genome position (GRCh38, 1-based): chr1:161,548,524, C>T on the plus strand (G>A on the coding strand, the complement: FCGR3A is on the minus strand). VCF-style: chr1-161548524-C-T. GRCh37 (hg19) VCF-style: chr1-161518314-C-T.
Other names: c.528G>A, p.Ser176= (NM_001127592.2); c.216G>A, p.Ser72= (NM_001127593.1, NM_001127595.2, NM_001329120.2); c.213G>A, p.Ser71= (NM_001127596.2, NM_001386450.1); c.531G>A, p.Ser177= (NM_001329122.1).
Identifiers: ClinVar variation 402856 (VCV000402856.6), dbSNP rs114535887, ClinGen allele CA1211488.